The following is an entry in ClinVar:

ClinVar aggregate classification (germline): Likely pathogenic (3 of 4 stars; one submission).

Conditions:
Autosomal recessive limb-girdle muscular dystrophy. Identifiers: Orphanet 102015, MedGen C2931907, MONDO:0015152.

Submission:

ClinGen Limb Girdle Muscular Dystrophy Variant Curation Expert Panel, ClinGen
Classification: Likely pathogenic for Autosomal recessive limb-girdle muscular dystrophy. Last evaluated: 2025-06-24. Review status: reviewed by expert panel. Criteria: ClinGen LGMD VCEP ACMG Specifications DYSF V1.0.0. Collection method: curation. Allele origin: germline. Inheritance: Autosomal recessive inheritance.
Comment: The NM_003494.4: c.4794+1G>A variant in DYSF, which is also known as NM_001130987.2: c.4911+1G>A, occurs within the dinucleotide splice donor site (+/- 1,2) of intron 43 and is predicted to disrupt the splice donor site and strengthen an alternative donor site further into the intron (SpliceAI score 0.99 for donor loss, 0.82 for donor gain). Skipping of exon 43 would be expected to result in an in-frame deletion of less than 10% of the protein, p.Gly1547_Lys1598del. Use of the alternative donor site would also be predicted to result in an in-frame event due to the inclusion of 45 bp of intron 43 (PVS1_Moderate). This variant has been reported in at least one patient with a clinical diagnosis of limb girdle muscular dystrophy, where it was confirmed in trans with a pathogenic variant (NM_003494.4: c.3373del p.(Glu1125LysfsTer9), 1.0 pt, PMID: 23243261) (PM3, PP4). This variant is absent from gnomAD v4.1.0 (PM2_Supporting). In summary, this variant meets the criteria to be classified as Likely Pathogenic for autosomal recessive limb girdle muscular dystrophy based on the ACMG/AMP criteria applied, as specified by the ClinGen Limb Girdle Muscular Dystrophy VCEP (LGMD VCEP specifications version 1.0.0; 06/24/2025): PVS1_Moderate, PM3, PP4, PM2_Supporting.

NM_001130987.2(DYSF):c.4911+1G>A

Gene: DYSF (dysferlin; plus strand). Cytogenetic location: 2p13.2.
Variant type: single nucleotide variant.
Coding change: c.4911+1G>A on transcript NM_001130987.2 (MANE Select); the canonical splice donor site of the intron after coding-DNA position 4911, G replaced by A.
Molecular consequence: splice donor variant.
Genome position (GRCh38, 1-based): chr2:71,659,034, G>A. VCF-style: chr2-71659034-G-A. GRCh37 (hg19) VCF-style: chr2-71886164-G-A.
Other names: NM_003494.4:c.4794+1G>A; c.4887+1G>A (NM_001130979.2); c.4908+1G>A (NM_001130981.2); c.4845+1G>A (NM_001130980.2); c.4857+1G>A (NM_001130978.2); c.4794+1G>A (NM_003494.4); c.4815+1G>A (NM_001130977.2); c.4752+1G>A (NM_001130976.2); and 6 more.
Identifiers: ClinVar variation 4056141 (VCV004056141.1).